The following is an entry in ClinVar:

ClinVar aggregate classification (germline): Uncertain significance (1 of 4 stars; one submission).

gnomAD v4.1: 1 of 1,614,162 alleles (0.000062%); highest among the groups gnomAD compares: Non-Finnish European, 0.000085%; no homozygotes.

Submission:

GeneDx
Classification: Uncertain significance. Last evaluated: 2025-06-12. Review status: criteria provided, single submitter. Criteria: GeneDx Variant Classification Process June 2021. Collection method: clinical testing. Allele origin: germline.
Comment: Not observed at significant frequency in large population cohorts (gnomAD); In silico analysis supports that this missense variant has a deleterious effect on protein structure/function; Has not been previously published as pathogenic or benign to our knowledge

NM_001395159.1(UNC79):c.4063C>T (p.Arg1355Cys)

Gene: UNC79 (unc-79 subunit of NALCN channel complex; plus strand). Cytogenetic location: 14q32.12.
Variant type: single nucleotide variant.
Coding change: c.4063C>T on transcript NM_001395159.1 (MANE Select); coding-DNA position 4063, C replaced by T.
Protein change: p.Arg1355Cys; replaces arginine 1355 with cysteine.
Molecular consequence: missense variant.
Genome position (GRCh38, 1-based): chr14:93,613,039, C>T. VCF-style: chr14-93613039-C-T. GRCh37 (hg19) VCF-style: chr14-94079385-C-T.
Other names: c.3997C>T, p.Arg1333Cys (NM_001346218.2); c.3466C>T, p.Arg1156Cys (NM_020818.5); short protein forms R1156C, R1333C, R1355C.
Identifiers: ClinVar variation 3764151 (VCV003764151.2).